The following is an entry in ClinVar:

NM_004252.5(NHERF1):c.1030C>G (p.Pro344Ala)

Gene: NHERF1 (NHERF family PDZ scaffold protein 1; plus strand). Cytogenetic location: 17q25.1.
Variant type: single nucleotide variant.
Coding change: c.1030C>G on transcript NM_004252.5 (MANE Select); coding-DNA position 1030, C replaced by G.
Protein change: p.Pro344Ala; replaces proline 344 with alanine.
Molecular consequence: missense variant.
Genome position (GRCh38, 1-based): chr17:74,768,609, C>G. VCF-style: chr17-74768609-C-G. GRCh37 (hg19) VCF-style: chr17-72764748-C-G.
Other names: short protein forms P344A.
Identifiers: ClinVar variation 64524 (VCV000064524.3), dbSNP rs387907535, ClinGen allele CA216333.

ClinVar aggregate classification (germline): Uncertain significance (0 of 4 stars; one submission).

Submission:

Martin Pollak Laboratory,  Beth Israel Deaconess Medical Center
Classification: Uncertain significance. Review status: no assertion criteria provided. Collection method: not provided. Allele origin: unknown.
Comment: Higher UCa2+ group
ClinVar note: Converted during submission from unknown to Uncertain significance.